The following is an entry in ClinVar:

ClinVar aggregate classification (germline): Pathogenic/Likely pathogenic. Review status: criteria provided, multiple submitters, no conflicts (2 of 4 stars). 3 submissions from 3 submitters: Pathogenic (2); Likely pathogenic (1). Last evaluated 2026-04-22.

Conditions:
Inherited phaeochromocytoma and paraganglioma excluding NF1.
Pheochromocytoma/paraganglioma syndrome 4. Also called: CAROTID BODY TUMORS AND MULTIPLE EXTRAADRENAL PHEOCHROMOCYTOMAS; PARAGANGLIOMA, FAMILIAL MALIGNANT; PARAGANGLIOMAS, HEREDITARY EXTRAADRENAL; PHEOCHROMOCYTOMA, FAMILIAL EXTRAADRENAL; Paragangliomas 4; SDHB-Related Hereditary Paraganglioma-Pheochromocytoma Syndrome (Paragangliomas 4). Identifiers: Orphanet 29072, MedGen C1861848, MONDO:0007273, OMIM 115310.

gnomAD v4.1: 1 of 1,614,126 alleles (0.000062%); highest among the groups gnomAD compares: Non-Finnish European, 0.000085%; no homozygotes.

Submissions (3):

NHS Central & South Genomic Laboratory Hub
Classification: Pathogenic for Inherited phaeochromocytoma and paraganglioma excluding NF1. Last evaluated: 2026-04-22. Review status: criteria provided, single submitter. Criteria: ACMG Guidelines, 2015. Collection method: clinical testing. Allele origin: germline. Affected: yes.

Cambridge Genomics Laboratory, East Genomic Laboratory Hub, NHS Genomic Medicine Service
Classification: Pathogenic for Inherited phaeochromocytoma and paraganglioma excluding NF1. Last evaluated: 2025-06-04. Review status: criteria provided, single submitter. Criteria: ACGS Best Practice Guidelines for Variant Classification in Rare Disease 2020. Collection method: clinical testing. Allele origin: germline. Affected: yes.
Comment: PM2

Molecular Pathology, Peter Maccallum Cancer Centre
Classification: Likely pathogenic for Pheochromocytoma/paraganglioma syndrome 4. Last evaluated: 2025-01-08. Review status: criteria provided, single submitter. Criteria: ACMG Guidelines, 2015. Collection method: clinical testing. Allele origin: germline. Inheritance: Autosomal dominant inheritance.

NM_003000.3(SDHB):c.118A>G (p.Lys40Glu)

Gene: SDHB (succinate dehydrogenase complex iron sulfur subunit B; minus strand). Cytogenetic location: 1p36.13.
Variant type: single nucleotide variant.
Coding change: c.118A>G on transcript NM_003000.3 (MANE Select); coding-DNA position 118, A replaced by G.
Protein change: p.Lys40Glu; replaces lysine 40 with glutamic acid.
Molecular consequence: missense variant.
Genome position (GRCh38, 1-based): chr1:17,044,843, T>C on the plus strand (A>G on the coding strand, the complement: SDHB is on the minus strand). VCF-style: chr1-17044843-T-C. GRCh37 (hg19) VCF-style: chr1-17371338-T-C.
Other names: c.118A>G, p.Lys40Glu (NM_001407361.1); short protein forms K40E.
Identifiers: ClinVar variation 4056252 (VCV004056252.3).
Genomic context (GRCh38, chr1:17,044,843, plus strand): 5'-TCTGCATATGAGGTTTGTCTCCAGCCTTGTCTGGGTCCCATCGATAGATGGCAAATTTCT[T>C]GATACGGGGAGCTGTGGCTGCAGCTGTCTGGGCTCCTCGGGAGGCCTGAAATTTTTTAAA-3'
Protein context (NP_002991.2, residues 30-50): QTAAATAPRI[Lys40Glu]KFAIYRWDPD